The following is an entry in ClinVar:

ClinVar aggregate classification (germline): Uncertain significance (1 of 4 stars; one submission).

Conditions:
Inborn genetic diseases. Identifiers: MedGen C0950123, MeSH D030342.

Allele frequency attached by ClinVar (database versions not stated): gnomAD 0.00001; TOPMed 0.00001.
gnomAD v4.1: 1 of 1,611,080 alleles (0.000062%); highest among the groups gnomAD compares: Non-Finnish European, 0.000085%; no homozygotes.

Submission:

Ambry Genetics
Classification: Uncertain significance for Inborn genetic diseases. Last evaluated: 2022-03-16. Review status: criteria provided, single submitter. Criteria: Ambry Variant Classification Scheme 2023. Collection method: clinical testing. Allele origin: germline.
Comment: The p.K738Q variant (also known as c.2212A>C), located in coding exon 14 of the EPAS1 gene, results from an A to C substitution at nucleotide position 2212. The lysine at codon 738 is replaced by glutamine, an amino acid with similar properties. This amino acid position is conserved. In addition, the in silico prediction for this alteration is inconclusive. Since supporting evidence is limited at this time, the clinical significance of this alteration remains unclear.

NM_001430.5(EPAS1):c.2212A>C (p.Lys738Gln)

Gene: EPAS1 (endothelial PAS domain protein 1; plus strand). Cytogenetic location: 2p21.
Variant type: single nucleotide variant.
Coding change: c.2212A>C on transcript NM_001430.5 (MANE Select); coding-DNA position 2212, A replaced by C.
Protein change: p.Lys738Gln; replaces lysine 738 with glutamine.
Molecular consequence: missense variant.
Genome position (GRCh38, 1-based): chr2:46,382,014, A>C. VCF-style: chr2-46382014-A-C. GRCh37 (hg19) VCF-style: chr2-46609153-A-C.
Other names: short protein forms K738Q.
Identifiers: ClinVar variation 1787782 (VCV001787782.2), dbSNP rs1215671249, ClinGen allele CA346705777.